The following is an entry in ClinVar:

ClinVar aggregate classification (germline): Uncertain significance (1 of 4 stars; one submission).

Conditions:
CUL4B-related disorder. Also called: CUL4B-related condition.

Submission:

PreventionGenetics, part of Exact Sciences
Classification: Uncertain significance for CUL4B-related condition. Last evaluated: 2025-07-28. Review status: criteria provided, single submitter. Criteria: ACMG Guidelines, 2015. Collection method: clinical testing. Allele origin: germline.
Comment: The CUL4B c.1516G>A variant is predicted to result in the amino acid substitution p.Val506Ile. To our knowledge, this variant has not been reported in the literature or in a large population database (gnomAD), indicating this variant is rare. At this time, the clinical significance of this variant is uncertain due to the absence of conclusive functional and genetic evidence.

NM_001079872.2(CUL4B):c.1462G>A (p.Val488Ile)

Gene: CUL4B (cullin 4B; minus strand). Cytogenetic location: Xq24.
Variant type: single nucleotide variant.
Coding change: c.1462G>A on transcript NM_001079872.2 (MANE Select); coding-DNA position 1462, G replaced by A.
Protein change: p.Val488Ile; replaces valine 488 with isoleucine.
Molecular consequence: missense variant.
Genome position (GRCh38, 1-based): chrX:120,540,544, C>T on the plus strand (G>A on the coding strand, the complement: CUL4B is on the minus strand). VCF-style: chrX-120540544-C-T. GRCh37 (hg19) VCF-style: chrX-119674399-C-T.
Other names: c.1477G>A, p.Val493Ile (NM_001330624.2); c.928G>A, p.Val310Ile (NM_001369145.1); c.1516G>A, p.Val506Ile (NM_003588.4); short protein forms V493I, V488I, V506I, V310I.
Identifiers: ClinVar variation 4998634 (VCV004998634.1).
Genomic context (GRCh38, chrX:120,540,544, plus strand): 5'-CCTTATCTTTAAAATCCAGCAATTCTTGAACCATGGTTTTATCTTTTTCAGGATTAATTA[C>T]AATAGTGCTGCCAAATGCCTAAAACAAAAAATTACCACTTTTTACTGTAATCGAATTGTC-3'
Protein context (NP_001073341.1, residues 478-498): EYIKAFGSTI[Val488Ile]INPEKDKTMV